The following is an entry in ClinVar:

ClinVar aggregate classification (germline): Uncertain significance. Review status: criteria provided, multiple submitters, no conflicts (2 of 4 stars). 2 submissions from 2 submitters: Uncertain significance (2). Last evaluated 2025-05-16.

Conditions:
Mucopolysaccharidosis type 1. Also called: IDUA deficiency; MPS I; Mucopolysaccharidosis Type I. Identifiers: Orphanet 579, MedGen C0023786, MONDO:0001586.

Submissions (2):

Labcorp Genetics (formerly Invitae), Labcorp
Classification: Uncertain significance for Mucopolysaccharidosis type 1. Last evaluated: 2025-05-16. Review status: criteria provided, single submitter. Criteria: Invitae Variant Classification Sherloc (09022015). Collection method: clinical testing. Allele origin: germline.
Comment: This sequence change replaces threonine, which is neutral and polar, with isoleucine, which is neutral and non-polar, at codon 249 of the IDUA protein (p.Thr249Ile). This variant is not present in population databases (gnomAD no frequency). This variant has not been reported in the literature in individuals affected with IDUA-related conditions. ClinVar contains an entry for this variant (Variation ID: 2432771). Invitae Evidence Modeling of protein sequence and biophysical properties (such as structural, functional, and spatial information, amino acid conservation, physicochemical variation, residue mobility, and thermodynamic stability) indicates that this missense variant is expected to disrupt IDUA protein function with a positive predictive value of 95%. In summary, the available evidence is currently insufficient to determine the role of this variant in disease. Therefore, it has been classified as a Variant of Uncertain Significance.

Revvity Omics, Revvity
Classification: Uncertain significance. Last evaluated: 2019-04-09. Review status: criteria provided, single submitter. Criteria: ACMG Guidelines, 2015. Collection method: clinical testing. Allele origin: germline.

NM_000203.5(IDUA):c.746C>T (p.Thr249Ile)

Gene: IDUA (alpha-L-iduronidase; plus strand). Cytogenetic location: 4p16.3.
Variant type: single nucleotide variant.
Coding change: c.746C>T on transcript NM_000203.5 (MANE Select); coding-DNA position 746, C replaced by T.
Protein change: p.Thr249Ile; replaces threonine 249 with isoleucine.
Molecular consequence: missense variant. On other transcripts: non-coding transcript variant (1).
Genome position (GRCh38, 1-based): chr4:1,001,835, C>T. VCF-style: chr4-1001835-C-T. GRCh37 (hg19) VCF-style: chr4-995623-C-T.
Other names: c.350C>T, p.Thr117Ile (NM_001363576.1); short protein forms T117I, T249I.
Identifiers: ClinVar variation 2432771 (VCV002432771.6), dbSNP rs760812013, ClinGen allele CA2802073.
Genomic context (GRCh38, chr4:1,001,835, plus strand): 5'-CGCGATCCCCGCTGAGCTGGGGCCTCCTGCGCCACTGCCACGACGGTACCAACTTCTTCA[C>T]TGGGGAGGCGGGCGTGCGGCTGGACTACATCTCCCTCCACAGGAAGGTGCGCCCTGCCCC-3'
Protein context (NP_000194.2, residues 239-259): RHCHDGTNFF[Thr249Ile]GEAGVRLDYI